The following is an entry in ClinVar:

NM_017617.5(NOTCH1):c.1888C>G (p.Leu630Val)

Gene: NOTCH1 (notch receptor 1; minus strand). Cytogenetic location: 9q34.3.
Variant type: single nucleotide variant.
Coding change: c.1888C>G on transcript NM_017617.5 (MANE Select); coding-DNA position 1888, C replaced by G.
Protein change: p.Leu630Val; replaces leucine 630 with valine.
Molecular consequence: missense variant.
Genome position (GRCh38, 1-based): chr9:136,515,498, G>C on the plus strand (C>G on the coding strand, the complement: NOTCH1 is on the minus strand). VCF-style: chr9-136515498-G-C. GRCh37 (hg19) VCF-style: chr9-139409950-G-C.
Other names: short protein forms L630V.
Identifiers: ClinVar variation 1392539 (VCV001392539.8), dbSNP rs2133363294, ClinGen allele CA375559539.

ClinVar aggregate classification (germline): Uncertain significance (1 of 4 stars; one submission).

Conditions:
Adams-Oliver syndrome 5 (AOS5). Identifiers: Orphanet 974, MedGen C4014970, MONDO:0014459, OMIM 616028.

Submission:

Labcorp Genetics (formerly Invitae), Labcorp
Classification: Uncertain significance for Adams-Oliver syndrome 5. Last evaluated: 2022-08-23. Review status: criteria provided, single submitter. Criteria: Invitae Variant Classification Sherloc (09022015). Collection method: clinical testing. Allele origin: germline.
Comment: In summary, the available evidence is currently insufficient to determine the role of this variant in disease. Therefore, it has been classified as a Variant of Uncertain Significance. Advanced modeling of protein sequence and biophysical properties (such as structural, functional, and spatial information, amino acid conservation, physicochemical variation, residue mobility, and thermodynamic stability) performed at Invitae indicates that this missense variant is not expected to disrupt NOTCH1 protein function. ClinVar contains an entry for this variant (Variation ID: 1392539). This variant has not been reported in the literature in individuals affected with NOTCH1-related conditions. This variant is not present in population databases (gnomAD no frequency). This sequence change replaces leucine, which is neutral and non-polar, with valine, which is neutral and non-polar, at codon 630 of the NOTCH1 protein (p.Leu630Val).